The following is an entry in ClinVar:

NM_004252.5(NHERF1):c.560C>T (p.Pro187Leu)

Gene: NHERF1 (NHERF family PDZ scaffold protein 1; plus strand). Cytogenetic location: 17q25.1.
Variant type: single nucleotide variant.
Coding change: c.560C>T on transcript NM_004252.5 (MANE Select); coding-DNA position 560, C replaced by T.
Protein change: p.Pro187Leu; replaces proline 187 with leucine.
Molecular consequence: missense variant.
Genome position (GRCh38, 1-based): chr17:74,762,130, C>T. VCF-style: chr17-74762130-C-T. GRCh37 (hg19) VCF-style: chr17-72758269-C-T.
Other names: short protein forms P187L.
Identifiers: ClinVar variation 2612433 (VCV002612433.5), dbSNP rs775971197, ClinGen allele CA8750625.
Genomic context (GRCh38, chr17:74,762,130, plus strand): 5'-ACCTGCACAGCGACAAGTCCAAGCCAGGCCAGTTCATCCGGTCAGTGGACCCAGACTCCC[C>T]GGCTGAGGCTTCAGGGCTCCGGGCCCAGGATCGCATTGTGGAGGTGATGCTTCTCGCTCT-3'
Protein context (NP_004243.1, residues 177-197): QFIRSVDPDS[Pro187Leu]AEASGLRAQD

ClinVar aggregate classification (germline): Uncertain significance. Review status: criteria provided, multiple submitters, no conflicts (2 of 4 stars). 2 submissions from 2 submitters: Uncertain significance (2). Last evaluated 2025-10-28.

Conditions:
Inborn genetic diseases. Identifiers: MedGen C0950123, MeSH D030342.

Allele frequency attached by ClinVar (database versions not stated): gnomAD exomes 0.00001; gnomAD 0.00001.
gnomAD v4.1: 15 of 1,614,044 alleles (0.00093%); highest among the groups gnomAD compares: African/African-American, 0.004%; no homozygotes.

Submissions (2):

Labcorp Genetics (formerly Invitae), Labcorp
Classification: Uncertain significance. Last evaluated: 2025-10-28. Review status: criteria provided, single submitter. Criteria: Invitae Variant Classification Sherloc (09022015). Collection method: clinical testing. Allele origin: germline.
Comment: This sequence change replaces proline, which is neutral and non-polar, with leucine, which is neutral and non-polar, at codon 187 of the SLC9A3R1 protein (p.Pro187Leu). This variant is present in population databases (rs775971197, gnomAD 0.004%). This variant has not been reported in the literature in individuals affected with SLC9A3R1-related conditions. ClinVar contains an entry for this variant (Variation ID: 2612433). An algorithm developed to predict the effect of missense changes on protein structure and function (PolyPhen-2) suggests that this variant is likely to be disruptive. In summary, the available evidence is currently insufficient to determine the role of this variant in disease. Therefore, it has been classified as a Variant of Uncertain Significance.

Ambry Genetics
Classification: Uncertain significance for Inborn genetic diseases. Last evaluated: 2023-07-17. Review status: criteria provided, single submitter. Criteria: Ambry Variant Classification Scheme 2023. Collection method: clinical testing. Allele origin: germline.